The following is an entry in ClinVar:

NM_003842.5(TNFRSF10B):c.129C>T (p.Ala43=)

Genes: TNFRSF10B (TNF receptor superfamily member 10b; minus strand), TNFRSF10B-AS1 (TNFRSF10B antisense RNA 1; plus strand), LOC111255642 (TNFRSF10B 5' regulatory region; plus strand). Cytogenetic location: 8p21.3.
Variant type: single nucleotide variant.
Coding change: c.129C>T on transcript NM_003842.5 (MANE Select); coding-DNA position 129, C replaced by T.
Protein change: p.Ala43=; no amino-acid change (alanine 43 retained).
Molecular consequence: synonymous variant. On other transcripts: non-coding transcript variant (1).
Genome position (GRCh38, 1-based): chr8:23,068,766, G>A on the plus strand (C>T on the coding strand, the complement: TNFRSF10B is on the minus strand). VCF-style: chr8-23068766-G-A. GRCh37 (hg19) VCF-style: chr8-22926279-G-A.
Other names: c.129C>T, p.Ala43= (NM_147187.3).
Identifiers: ClinVar variation 2658477 (VCV002658477.24), dbSNP rs2486394509, ClinGen allele CA459954462.

ClinVar aggregate classification (germline): Likely benign (1 of 4 stars; one submission).

Allele frequency attached by ClinVar (database versions not stated): gnomAD exomes below 0.00001.
gnomAD v4.1: 1 of 1,593,728 alleles (0.000063%); highest among the groups gnomAD compares: Non-Finnish European, 0.000085%; no homozygotes.

Submission:

CeGaT Center for Human Genetics Tuebingen
Classification: Likely benign. Last evaluated: 2022-11-01. Review status: criteria provided, single submitter. Criteria: CeGaT Center For Human Genetics Tuebingen Variant Classification Criteria Version 2. Collection method: clinical testing. Allele origin: germline. Affected: yes. Observed: 1 variant allele.
Comment: TNFRSF10B: PM2:Supporting, BP4, BP7